The following is an entry in ClinVar:

NM_000494.4(COL17A1):c.2816C>T (p.Thr939Ile)

Gene: COL17A1 (collagen type XVII alpha 1 chain; minus strand). Cytogenetic location: 10q25.1.
Variant type: single nucleotide variant.
Coding change: c.2816C>T on transcript NM_000494.4 (MANE Select); coding-DNA position 2816, C replaced by T.
Protein change: p.Thr939Ile; replaces threonine 939 with isoleucine.
Molecular consequence: missense variant.
Genome position (GRCh38, 1-based): chr10:104,039,613, G>A on the plus strand (C>T on the coding strand, the complement: COL17A1 is on the minus strand). VCF-style: chr10-104039613-G-A. GRCh37 (hg19) VCF-style: chr10-105799371-G-A.
Other names: c.2816C>T, p.Thr939Ile (LRG_1249t1); short protein forms T939I.
Identifiers: ClinVar variation 208977 (VCV000208977.4), dbSNP rs797045142, ClinGen allele CA204960.

ClinVar aggregate classification (germline): Pathogenic. Review status: criteria provided, single submitter (1 of 4 stars). 2 submissions from 2 submitters: Pathogenic (1). 1 of the submissions does not count toward it. Last evaluated 2023-10-04.

Conditions:
Epithelial recurrent erosion dystrophy (ERED). Also called: CORNEAL EROSIONS, RECURRING HEREDITARY. Identifiers: Orphanet 293381, MedGen C1852551, MONDO:0007381, OMIM 122400.

gnomAD v4.1: 1 of 1,614,176 alleles (0.000062%); highest among the groups gnomAD compares: Non-Finnish European, 0.000085%; no homozygotes.

Submissions (2):

Labcorp Genetics (formerly Invitae), Labcorp
Classification: Pathogenic. Last evaluated: 2023-10-04. Review status: criteria provided, single submitter. Criteria: Invitae Variant Classification Sherloc (09022015). Collection method: clinical testing. Allele origin: germline.
Comment: This sequence change replaces threonine, which is neutral and polar, with isoleucine, which is neutral and non-polar, at codon 939 of the COL17A1 protein (p.Thr939Ile). This variant is not present in population databases (gnomAD no frequency). This missense change has been observed in individual(s) with autosomal dominant epithelial recurrent erosion dystrophy (PMID: 25676728). It has also been observed to segregate with disease in related individuals. ClinVar contains an entry for this variant (Variation ID: 208977). Advanced modeling of protein sequence and biophysical properties (such as structural, functional, and spatial information, amino acid conservation, physicochemical variation, residue mobility, and thermodynamic stability) performed at Invitae indicates that this missense variant is not expected to disrupt COL17A1 protein function. For these reasons, this variant has been classified as Pathogenic.

OMIM
Classification: Pathogenic for EPITHELIAL RECURRENT EROSION DYSTROPHY. Last evaluated: 2015-04-01. Review status: no assertion criteria provided. Collection method: literature only. Allele origin: germline. Not counted in ClinVar's aggregate classification.

Literature cited by the submitters: PubMed 25676728 (cited by Labcorp Genetics (formerly Invitae), Labcorp and OMIM).